The following is an entry in ClinVar:

NM_005458.8(GABBR2):c.2295T>C (p.Asn765=)

Gene: GABBR2 (gamma-aminobutyric acid type B receptor subunit 2; minus strand). Cytogenetic location: 9q22.33.
Variant type: single nucleotide variant.
Coding change: c.2295T>C on transcript NM_005458.8 (MANE Select); coding-DNA position 2295, T replaced by C.
Protein change: p.Asn765=; no amino-acid change (asparagine 765 retained).
Molecular consequence: synonymous variant.
Genome position (GRCh38, 1-based): chr9:98,303,358, A>G on the plus strand (T>C on the coding strand, the complement: GABBR2 is on the minus strand). VCF-style: chr9-98303358-A-G. GRCh37 (hg19) VCF-style: chr9-101065640-A-G.
Identifiers: ClinVar variation 462131 (VCV000462131.35), dbSNP rs201747907, ClinGen allele CA5152492.
Genomic context (GRCh38, chr9:98,303,358, plus strand): 5'-TGTGCTGGCTTGGTTCACACTGGTGACCGAGGTGGACGTTTTAGAATCTTCTTTCTTCTG[A>G]TTCTGAGTGAACTGGAATCGCCTGTTCTGCGTTGCTGCATCTGGGTTTGTTCTCAGGGTG-3'
Protein context (NP_005449.5, residues 755-775): TQNRRFQFTQ[Asn765=]QKKEDSKTST

ClinVar aggregate classification (germline): Likely benign. Review status: criteria provided, multiple submitters, no conflicts (2 of 4 stars). 3 submissions from 3 submitters: Likely benign (3). Last evaluated 2025-12-17.

Conditions:
Epileptic encephalopathy. Identifiers: MedGen C0543888, HP:0200134.

Allele frequency attached by ClinVar (database versions not stated): gnomAD 0.00008; TOPMed 0.00009; gnomAD exomes 0.00014 and 0.00015; 1000 Genomes Project 30x 0.00016; 1000 Genomes Project 0.00020; ExAC 0.00025; ESP Exome Variant Server 0.00008.
gnomAD v4.1: 220 of 1,614,134 alleles (0.014%); highest among the groups gnomAD compares: Non-Finnish European, 0.016%; no homozygotes.

Submissions (3):

Labcorp Genetics (formerly Invitae), Labcorp
Classification: Likely benign for Epileptic encephalopathy. Last evaluated: 2025-12-17. Review status: criteria provided, single submitter. Criteria: Invitae Variant Classification Sherloc (09022015). Collection method: clinical testing. Allele origin: germline.

CeGaT Center for Human Genetics Tuebingen
Classification: Likely benign. Last evaluated: 2024-02-01. Review status: criteria provided, single submitter. Criteria: CeGaT Center For Human Genetics Tuebingen Variant Classification Criteria Version 2. Collection method: clinical testing. Allele origin: germline. Affected: yes. Observed: 1 variant allele.
Comment: GABBR2: BP4, BP7

GeneDx
Classification: Likely benign. Last evaluated: 2020-11-02. Review status: criteria provided, single submitter. Criteria: GeneDx Variant Classification Process June 2021. Collection method: clinical testing. Allele origin: germline. Affected: yes.